The following is an entry in ClinVar:

NM_001287.6(CLCN7):c.886G>A (p.Gly296Arg)

Gene: CLCN7 (Cl-/H+ antiporter 7; minus strand). Cytogenetic location: 16p13.3.
Variant type: single nucleotide variant.
Coding change: c.886G>A on transcript NM_001287.6 (MANE Select); coding-DNA position 886, G replaced by A.
Protein change: p.Gly296Arg; replaces glycine 296 with arginine.
Molecular consequence: missense variant.
Genome position (GRCh38, 1-based): chr16:1,456,143, C>T on the plus strand (G>A on the coding strand, the complement: CLCN7 is on the minus strand). VCF-style: chr16-1456143-C-T. GRCh37 (hg19) VCF-style: chr16-1506144-C-T.
Other names: c.814G>A, p.Gly272Arg (NM_001114331.3); short protein forms G272R, G296R.
Identifiers: ClinVar variation 1381984 (VCV001381984.14), dbSNP rs1164202590, ClinGen allele CA394190310.

ClinVar aggregate classification (germline): Conflicting classifications of pathogenicity. Review status: criteria provided, conflicting classifications (1 of 4 stars). 2 submissions from 2 submitters: Likely pathogenic (1); Uncertain significance (1). Last evaluated 2025-08-22.

Allele frequency attached by ClinVar (database versions not stated): gnomAD exomes below 0.00001; TOPMed below 0.00001; gnomAD 0.00001.
gnomAD v4.1: 6 of 1,562,954 alleles (0.00038%); highest among the groups gnomAD compares: East Asian, 0.0024%; no homozygotes.

Submissions (2):

Labcorp Genetics (formerly Invitae), Labcorp
Classification: Uncertain significance. Last evaluated: 2025-08-22. Review status: criteria provided, single submitter. Criteria: Invitae Variant Classification Sherloc (09022015). Collection method: clinical testing. Allele origin: germline.
Comment: This sequence change replaces glycine, which is neutral and non-polar, with arginine, which is basic and polar, at codon 296 of the CLCN7 protein (p.Gly296Arg). The frequency data for this variant in the population databases is considered unreliable, as metrics indicate poor data quality at this position in the gnomAD database. This missense change has been observed in individual(s) with CLCN7-related conditions (PMID: 36513280). ClinVar contains an entry for this variant (Variation ID: 1381984). Invitae Evidence Modeling of protein sequence and biophysical properties (such as structural, functional, and spatial information, amino acid conservation, physicochemical variation, residue mobility, and thermodynamic stability) indicates that this missense variant is expected to disrupt CLCN7 protein function with a positive predictive value of 95%. In summary, the available evidence is currently insufficient to determine the role of this variant in disease. Therefore, it has been classified as a Variant of Uncertain Significance.

CeGaT Center for Human Genetics Tuebingen
Classification: Likely pathogenic. Last evaluated: 2025-07-01. Review status: criteria provided, single submitter. Criteria: CeGaT Center For Human Genetics Tuebingen Variant Classification Criteria Version 2. Collection method: clinical testing. Allele origin: germline. Affected: yes. Observed: 1 variant allele.
Comment: CLCN7: PM2, PM3, PP3, PP4

Literature cited by the submitters: PubMed 36513280 (cited by Labcorp Genetics (formerly Invitae), Labcorp).